The following is an entry in ClinVar:

NM_002516.4(NOVA2):c.987del (p.Tyr330fs)

Gene: NOVA2 (NOVA alternative splicing regulator 2; minus strand). Cytogenetic location: 19q13.32.
Variant type: Deletion.
Coding change: c.987del on transcript NM_002516.4 (MANE Select); coding-DNA position 987, one base deleted (C; older notation c.987delC).
Protein change: p.Tyr330fs; shifts the reading frame from tyrosine 330.
Molecular consequence: frameshift variant.
Genome position (GRCh38, 1-based): chr19:45,940,355, G deleted on the plus strand (C on the coding strand, the reverse complement: NOVA2 is on the minus strand); the first of 2 consecutive G bases (chr19:45,940,355-45,940,356); deleting either gives the same sequence. VCF-style (leftmost placement, unchanged base first): chr19-45940354-AG-A. GRCh37 (hg19) VCF-style: chr19-46443612-AG-A.
Other names: short protein forms Y330fs.
Identifiers: ClinVar variation 3068386 (VCV003068386.1), dbSNP rs2513852016, ClinGen allele CA2825002811.

ClinVar aggregate classification (germline): Pathogenic (1 of 4 stars; one submission).

Conditions:
Neurodevelopmental disorder with or without autistic features and/or structural brain abnormalities. Identifiers: MedGen C5394311, MONDO:0030024, OMIM 618859.

Submission:

MVZ Medizinische Genetik Mainz
Classification: Pathogenic for Neurodevelopmental disorder with or without autistic features and/or structural brain abnormalities. Last evaluated: 2022-05-06. Review status: criteria provided, single submitter. Criteria: UK Practice Guidelines For Variant Classification V4 01 2020. Collection method: clinical testing. Allele origin: germline. Inheritance: Autosomal dominant inheritance. Affected: yes. Observed: 1 variant allele.
Comment: ACMG Criteria: PVS1_STR, PS2_MOD, PM2_SUP, PM5_SUP, PM1 (ACMG Version 3)